The following is an entry in ClinVar:

NM_001160372.4(TRAPPC9):c.271G>A (p.Asp91Asn)

Gene: TRAPPC9 (trafficking protein particle complex subunit 9; minus strand). Cytogenetic location: 8q24.3.
Variant type: single nucleotide variant.
Coding change: c.271G>A on transcript NM_001160372.4 (MANE Select); coding-DNA position 271, G replaced by A.
Protein change: p.Asp91Asn; replaces aspartic acid 91 with asparagine.
Molecular consequence: missense variant. On other transcripts: non-coding transcript variant (1).
Genome position (GRCh38, 1-based): chr8:140,451,103, C>T on the plus strand (G>A on the coding strand, the complement: TRAPPC9 is on the minus strand). VCF-style: chr8-140451103-C-T. GRCh37 (hg19) VCF-style: chr8-141461202-C-T.
Other names: c.565G>A (NM_031466.5); c.271G>A, p.Asp91Asn (NM_001321646.2, NM_001374682.1, NM_001374683.1 and 2 more transcripts); short protein forms D91N.
Identifiers: ClinVar variation 1969161 (VCV001969161.9), dbSNP rs1288074664, ClinGen allele CA372318697.
Genomic context (GRCh38, chr8:140,451,103, plus strand): 5'-ACAGTGTGGAGCCGTAGATCTCCTTCTGCACGTGGAACTTCTCAAAGGTCTGTGGCCAGT[C>T]CTTGGCCGAGAAGCAGTCTGTGATGGTGATGAGGCCCACGACTTTGCGGTGGGTCTGGAA-3'
Protein context (NP_001153844.1, residues 81-101): ITITDCFSAK[Asp91Asn]WPQTFEKFHV

ClinVar aggregate classification (germline): Uncertain significance. Review status: criteria provided, multiple submitters, no conflicts (2 of 4 stars). 3 submissions from 3 submitters: Uncertain significance (3). Last evaluated 2025-09-05.

Conditions:
Inborn genetic diseases. Identifiers: MedGen C0950123, MeSH D030342.
Intellectual developmental disorder, autosomal recessive 13. Also called: Intellectual disability, autosomal recessive 13. Identifiers: Orphanet 88616, MedGen C2750791, MONDO:0013173, OMIM 613192.

Allele frequency attached by ClinVar (database versions not stated): TOPMed below 0.00001.
gnomAD v4.1: 2 of 1,614,052 alleles (0.00012%); highest among the groups gnomAD compares: Non-Finnish European, 0.00017%; no homozygotes.

Submissions (3):

Dasa
Classification: Uncertain significance for Intellectual developmental disorder, autosomal recessive 13. Last evaluated: 2025-09-05. Review status: criteria provided, single submitter. Criteria: DASA Assertion Criteria. Collection method: clinical testing. Allele origin: germline.
Comment: NM_001160372.4(TRAPPC9):c.271G>A (p.Asp91Asn) is a missense variant that results in the substitution of aspartic acid with asparagine. This variant is rare in population databases. The currently available literature and clinical evidence are not sufficient to establish a definitive association between this variant and the reported condition. Therefore, this variant is classified as a variant of uncertain significance.

Labcorp Genetics (formerly Invitae), Labcorp
Classification: Uncertain significance. Last evaluated: 2024-01-22. Review status: criteria provided, single submitter. Criteria: Invitae Variant Classification Sherloc (09022015). Collection method: clinical testing. Allele origin: germline.
Comment: This sequence change replaces aspartic acid, which is acidic and polar, with asparagine, which is neutral and polar, at codon 189 of the TRAPPC9 protein (p.Asp189Asn). This variant is present in population databases (no rsID available, gnomAD 0.003%). This variant has not been reported in the literature in individuals affected with TRAPPC9-related conditions. ClinVar contains an entry for this variant (Variation ID: 1969161). An algorithm developed to predict the effect of missense changes on protein structure and function (PolyPhen-2) suggests that this variant is likely to be disruptive. In summary, the available evidence is currently insufficient to determine the role of this variant in disease. Therefore, it has been classified as a Variant of Uncertain Significance.

Ambry Genetics
Classification: Uncertain significance for Inborn genetic diseases. Last evaluated: 2023-03-28. Review status: criteria provided, single submitter. Criteria: Ambry Variant Classification Scheme 2023. Collection method: clinical testing. Allele origin: germline.